The following is an entry in ClinVar:

NM_000256.3(MYBPC3):c.3003C>T (p.Pro1001=)

Gene: MYBPC3 (myosin binding protein C3; minus strand). Cytogenetic location: 11p11.2.
Variant type: single nucleotide variant.
Coding change: c.3003C>T on transcript NM_000256.3 (MANE Select); coding-DNA position 3003, C replaced by T.
Protein change: p.Pro1001=; no amino-acid change (proline 1001 retained).
Molecular consequence: synonymous variant.
Genome position (GRCh38, 1-based): chr11:47,333,744, G>A on the plus strand (C>T on the coding strand, the complement: MYBPC3 is on the minus strand). VCF-style: chr11-47333744-G-A. GRCh37 (hg19) VCF-style: chr11-47355295-G-A.
Other names: p.Pro1001=.
Identifiers: ClinVar variation 42675 (VCV000042675.28), dbSNP rs397515996, ClinGen allele CA013310.
Genomic context (GRCh38, chr11:47,333,744, plus strand): 5'-GATGCTCACCTCCTCGCCTGCCAGGGGCTGCCCCTCTTTGGTCCAGGTCACCTGAGGCCG[G>A]GGCTTGCCCTGAGGGGAGGAAAAGCTTAACCCTGAACCTGGATCACTCCAAGGGCCGGCC-3'
Protein context (NP_000247.2, residues 991-1011): VNLLIPFQGK[Pro1001=]RPQVTWTKEG

ClinVar aggregate classification (germline): Benign/Likely benign. Review status: criteria provided, multiple submitters, no conflicts (2 of 4 stars). 10 submissions from 10 submitters: Benign (1); Likely benign (9). Last evaluated 2026-08-01.

Conditions:
MYBPC3-related disorder. Also called: MYBPC3-related disorders; MYBPC3-related condition; MYBPC3-related disease.
Cardiovascular phenotype. Identifiers: MedGen CN230736.
Cardiomyopathy (CMYO). Also called: Cardiomyopathies. Identifiers: Orphanet 167848, MedGen C0878544, MONDO:0004994, HP:0001638. Inheritance: Various modes of inheritance.
Hypertrophic cardiomyopathy. Also called: HYPERTROPHIC MYOCARDIOPATHY. Identifiers: Orphanet 217569, MedGen C0007194, MeSH D002312, MONDO:0005045, HP:0001639.

Allele frequency attached by ClinVar (database versions not stated): gnomAD 0.00006 and 0.00005; ExAC 0.00006; TOPMed 0.00014; 1000 Genomes Project 0.00060; 1000 Genomes Project 30x 0.00062.
gnomAD v4.1: 29 of 1,598,732 alleles (0.0018%); highest among the groups gnomAD compares: Admixed American, 0.037%; 1 homozygote.

Submissions (10):

CeGaT Center for Human Genetics Tuebingen
Classification: Likely benign. Last evaluated: 2026-08-01. Review status: criteria provided, single submitter. Criteria: CeGaT Center For Human Genetics Tuebingen Variant Classification Criteria Version 2. Collection method: clinical testing. Allele origin: germline. Affected: yes. Observed: 2 variant alleles.
Comment: MYBPC3: BP4, BP7

PreventionGenetics, part of Exact Sciences
Classification: Likely benign for MYBPC3-related condition. Last evaluated: 2026-05-11. Review status: criteria provided, single submitter. Criteria: ACMG Guidelines, 2015. Collection method: clinical testing. Allele origin: germline.
Comment: This variant is classified as likely benign based on ACMG/AMP sequence variant interpretation guidelines (Richards et al. 2015 PMID: 25741868, with internal and published modifications).

Labcorp Genetics (formerly Invitae), Labcorp
Classification: Likely benign for Hypertrophic cardiomyopathy. Last evaluated: 2025-10-13. Review status: criteria provided, single submitter. Criteria: Invitae Variant Classification Sherloc (09022015). Collection method: clinical testing. Allele origin: germline.

Mayo Clinic Laboratories, Mayo Clinic
Classification: Likely benign. Last evaluated: 2025-04-11. Review status: criteria provided, single submitter. Criteria: ACMG Guidelines, 2015. Collection method: clinical testing. Allele origin: germline. Observed: 1 variant allele.
Comment: BP4, BP7

All of Us Research Program, National Institutes of Health
Classification: Likely benign for Hypertrophic cardiomyopathy. Last evaluated: 2024-01-11. Review status: criteria provided, single submitter. Criteria: ACMG Guidelines, 2015. Collection method: clinical testing. Allele origin: germline. Inheritance: Autosomal dominant inheritance. Observed: 13 variant alleles, 13 heterozygotes.
Comment: This study involves interpretation of variants in research participants for the purpose of population health screening. Participant phenotype was not available at the time of variant classification. Additional details can be found in publication PMID: 35346344, PMCID: PMC8962531

Women's Health and Genetics/Laboratory Corporation of America, LabCorp
Classification: Likely benign. Last evaluated: 2020-09-06. Review status: criteria provided, single submitter. Criteria: LabCorp Variant Classification Summary - May 2015. Collection method: clinical testing. Allele origin: germline.

Ambry Genetics
Classification: Likely benign for Cardiovascular phenotype. Last evaluated: 2019-05-07. Review status: criteria provided, single submitter. Criteria: Ambry Variant Classification Scheme 2023. Collection method: clinical testing. Allele origin: germline.

Color Diagnostics, LLC DBA Color Health
Classification: Likely benign for Cardiomyopathy. Last evaluated: 2019-03-24. Review status: criteria provided, single submitter. Criteria: ACMG Guidelines, 2015. Collection method: clinical testing. Allele origin: germline.

GeneDx
Classification: Benign. Last evaluated: 2015-03-03. Review status: criteria provided, single submitter. Criteria: GeneDx Variant Classification Process June 2021. Collection method: clinical testing. Allele origin: germline. Affected: yes.

Laboratory for Molecular Medicine, Mass General Brigham Personalized Medicine
Classification: Likely benign. Last evaluated: 2007-02-08. Review status: criteria provided, single submitter. Criteria: LMM Criteria. Collection method: clinical testing. Allele origin: germline. Observed: 3 variant alleles.